The following is an entry in ClinVar:

ClinVar aggregate classification (germline): Pathogenic (1 of 4 stars; one submission).

Conditions:
Neurofibromatosis, type 1 (NF1). Also called: Peripheral type neurofibromatosis; VON RECKLINGHAUSEN DISEASE; Neurofibromatosis, type I; NEUROFIBROMATOSIS, TYPE I, SOMATIC. Identifiers: Orphanet 636, MedGen C0027831, MONDO:0018975, OMIM 162200. Disease mechanism: loss of function.

Submission:

Labcorp Genetics (formerly Invitae), Labcorp
Classification: Pathogenic for Neurofibromatosis, type 1. Last evaluated: 2023-11-06. Review status: criteria provided, single submitter. Criteria: Invitae Variant Classification Sherloc (09022015). Collection method: clinical testing. Allele origin: germline.
Comment: This sequence change creates a premature translational stop signal (p.Val2086Tyrfs*12) in the NF1 gene. It is expected to result in an absent or disrupted protein product. Loss-of-function variants in NF1 are known to be pathogenic (PMID: 10712197, 23913538). This variant is not present in population databases (gnomAD no frequency). This variant has not been reported in the literature in individuals affected with NF1-related conditions. For these reasons, this variant has been classified as Pathogenic.

Literature cited by the submitters: PubMed 10712197; PubMed 23913538.

NM_001042492.3(NF1):c.6319_6320del (p.Val2107fs)

Gene: NF1 (neurofibromin 1; plus strand). Cytogenetic location: 17q11.2.
Variant type: Deletion.
Coding change: c.6319_6320del on transcript NM_001042492.3 (MANE Select); coding-DNA positions 6319 to 6320, 2 bases deleted (GT; older notation c.6319_6320delGT).
Protein change: p.Val2107fs; shifts the reading frame from valine 2107.
Molecular consequence: frameshift variant.
Genome position (GRCh38, 1-based): chr17:31,336,806-31,336,807, GT deleted; deleting any 2 consecutive bases within chr17:31,336,805-31,336,807 gives the same sequence; the c. name uses the placement nearest the transcript's 3' end. VCF-style (leftmost placement, unchanged base first): chr17-31336804-TTG-T. GRCh37 (hg19) VCF-style: chr17-29663822-TTG-T.
Other names: c.6256_6257delGT, p.Val2086Tyrfs (NM_000267.4); short protein forms V2086fs, V2107fs.
Identifiers: ClinVar variation 2693568 (VCV002693568.3), dbSNP rs2508749387, ClinGen allele CA2697559648.